The following is an entry in ClinVar:

ClinVar aggregate classification (germline): Uncertain significance (1 of 4 stars; one submission).

Allele frequency attached by ClinVar (database versions not stated): gnomAD exomes below 0.00001.
gnomAD v4.1: 3 of 1,551,814 alleles (0.00019%); highest among the groups gnomAD compares: Non-Finnish European, 0.00026%; no homozygotes.

Submission:

Labcorp Genetics (formerly Invitae), Labcorp
Classification: Uncertain significance. Last evaluated: 2025-02-23. Review status: criteria provided, single submitter. Criteria: Invitae Variant Classification Sherloc (09022015). Collection method: clinical testing. Allele origin: germline.
Comment: This sequence change replaces threonine, which is neutral and polar, with methionine, which is neutral and non-polar, at codon 1153 of the ZSWIM6 protein (p.Thr1153Met). This variant is not present in population databases (gnomAD no frequency). This variant has not been reported in the literature in individuals affected with ZSWIM6-related conditions. ClinVar contains an entry for this variant (Variation ID: 1944851). Invitae Evidence Modeling of protein sequence and biophysical properties (such as structural, functional, and spatial information, amino acid conservation, physicochemical variation, residue mobility, and thermodynamic stability) indicates that this missense variant is not expected to disrupt ZSWIM6 protein function with a negative predictive value of 80%. In summary, the available evidence is currently insufficient to determine the role of this variant in disease. Therefore, it has been classified as a Variant of Uncertain Significance.

NM_020928.2(ZSWIM6):c.3458C>T (p.Thr1153Met)

Gene: ZSWIM6 (zinc finger SWIM-type containing 6; plus strand). Cytogenetic location: 5q12.1.
Variant type: single nucleotide variant.
Coding change: c.3458C>T on transcript NM_020928.2 (MANE Select); coding-DNA position 3458, C replaced by T.
Protein change: p.Thr1153Met; replaces threonine 1153 with methionine.
Molecular consequence: missense variant.
Genome position (GRCh38, 1-based): chr5:61,544,127, C>T. VCF-style: chr5-61544127-C-T. GRCh37 (hg19) VCF-style: chr5-60839954-C-T.
Other names: short protein forms T1153M.
Identifiers: ClinVar variation 1944851 (VCV001944851.5), dbSNP rs908327460, ClinGen allele CA119664275.